The following is an entry in ClinVar:

NM_002317.7(LOX):c.841C>T (p.Arg281Ter)

Genes: LOX (lysyl oxidase; minus strand), SRFBP1 (serum response factor binding protein 1; plus strand). Cytogenetic location: 5q23.1.
Variant type: single nucleotide variant.
Coding change: c.841C>T on transcript NM_002317.7 (MANE Select); coding-DNA position 841, C replaced by T.
Protein change: p.Arg281Ter; replaces arginine 281 with a stop codon.
Molecular consequence: nonsense. On other transcripts: 5 prime UTR variant (1).
Genome position (GRCh38, 1-based): chr5:122,075,441, G>A on the plus strand (C>T on the coding strand, the complement: LOX is on the minus strand). VCF-style: chr5-122075441-G-A. GRCh37 (hg19) VCF-style: chr5-121411136-G-A.
Other names: c.151C>T, p.Arg51Ter (NM_001178102.2); c.-51C>T (NM_001317073.1); short protein forms R51*, R281*.
Identifiers: ClinVar variation 1763312 (VCV001763312.6), dbSNP rs2532911330, ClinGen allele CA360882087.
Genomic context (GRCh38, chr5:122,075,441, plus strand): 5'-ACCCAGGAGGCCCATTTACTTACTGATGACAACTGTGCCATTCCCAGGAATATCTTGGTC[G>A]GCTGGGTAAGAAATCTGATGTCCCTTGGTTTTTCACTCTTTGGGGAAATCTGAGCAGCAC-3'

ClinVar aggregate classification (germline): Pathogenic/Likely pathogenic. Review status: criteria provided, multiple submitters, no conflicts (2 of 4 stars). 3 submissions from 3 submitters: Pathogenic (2); Likely pathogenic (1). Last evaluated 2025-12-09.

Conditions:
Cardiovascular phenotype. Identifiers: MedGen CN230736.
Cardiomyopathy (CMYO). Also called: Cardiomyopathies. Identifiers: Orphanet 167848, MedGen C0878544, MONDO:0004994, HP:0001638. Inheritance: Various modes of inheritance.

Allele frequency attached by ClinVar (database versions not stated): gnomAD exomes below 0.00001.
gnomAD v4.1: 4 of 1,613,686 alleles (0.00025%); highest among the groups gnomAD compares: African/African-American, 0.0027%; no homozygotes.

Submissions (3):

Ambry Genetics
Classification: Pathogenic for Cardiovascular phenotype. Last evaluated: 2025-12-09. Review status: criteria provided, single submitter. Criteria: Ambry Variant Classification Scheme 2023. Collection method: clinical testing. Allele origin: germline.
Comment: The p.R281* pathogenic mutation (also known as c.841C>T), located in coding exon 3 of the LOX gene, results from a C to T substitution at nucleotide position 841. This changes the amino acid from an arginine to a stop codon within coding exon 3. This variant is considered to be rare based on population cohorts in the Genome Aggregation Database (gnomAD). In addition, this alteration is expected to result in loss of function by premature protein truncation or nonsense-mediated mRNA decay. As such, this alteration is interpreted as a disease-causing mutation.

Petrovsky National Research Centre of Surgery, The Federal Agency for Scientific Organizations
Classification: Likely pathogenic for Cardiomyopathy. Last evaluated: 2025-11-18. Review status: criteria provided, single submitter. Criteria: ACMG Guidelines, 2015. Collection method: clinical testing. Allele origin: germline. Affected: yes. Observed: 1 variant allele.
Comment: The variant is present in The Genome Aggregation Database (gnomAD) v4.1.0 with a total MAF of 0.000002479. In accordance with ACMG (2015) criteria, this variant is classified as Likely Pathogenic (Class IV) with the following criteria applied: PVS1_very strong, PM2_moderate.

Labcorp Genetics (formerly Invitae), Labcorp
Classification: Pathogenic. Last evaluated: 2024-05-31. Review status: criteria provided, single submitter. Criteria: Invitae Variant Classification Sherloc (09022015). Collection method: clinical testing. Allele origin: germline.
Comment: This sequence change creates a premature translational stop signal (p.Arg281*) in the LOX gene. It is expected to result in an absent or disrupted protein product. Loss-of-function variants in LOX are known to be pathogenic (PMID: 12417550, 26838787, 27432961). This variant is not present in population databases (gnomAD no frequency). This variant has not been reported in the literature in individuals affected with LOX-related conditions. ClinVar contains an entry for this variant (Variation ID: 1763312). For these reasons, this variant has been classified as Pathogenic.

Literature cited by the submitters: PubMed 12417550 (cited by Labcorp Genetics (formerly Invitae), Labcorp); PubMed 26838787 (cited by Labcorp Genetics (formerly Invitae), Labcorp); PubMed 27432961 (cited by Labcorp Genetics (formerly Invitae), Labcorp).